The following is an entry in ClinVar:

NM_021870.3(FGG):c.401G>A (p.Arg134Gln)

Gene: FGG (fibrinogen gamma chain; minus strand). Cytogenetic location: 4q32.1.
Variant type: single nucleotide variant.
Coding change: c.401G>A on transcript NM_021870.3 (MANE Select); coding-DNA position 401, G replaced by A.
Protein change: p.Arg134Gln; replaces arginine 134 with glutamine.
Molecular consequence: missense variant.
Genome position (GRCh38, 1-based): chr4:154,611,805, C>T on the plus strand (G>A on the coding strand, the complement: FGG is on the minus strand). VCF-style: chr4-154611805-C-T. GRCh37 (hg19) VCF-style: chr4-155532957-C-T.
Other names: c.401G>A, p.Arg134Gln (NM_000509.6); short protein forms R134Q.
Identifiers: ClinVar variation 899461 (VCV000899461.6), dbSNP rs764559342, ClinGen allele CA3115662.

ClinVar aggregate classification (germline): Uncertain significance. Review status: criteria provided, multiple submitters, no conflicts (2 of 4 stars). 2 submissions from 2 submitters: Uncertain significance (2). Last evaluated 2024-08-31.

Conditions:
Congenital afibrinogenemia. Identifiers: Orphanet 335, Orphanet 98880, MedGen C2584774, MONDO:0008737, OMIM 202400.

Allele frequency attached by ClinVar (database versions not stated): gnomAD below 0.00001 and 0.00001; ExAC 0.00001; gnomAD exomes 0.00002.

Submissions (2):

Labcorp Genetics (formerly Invitae), Labcorp
Classification: Uncertain significance. Last evaluated: 2024-08-31. Review status: criteria provided, single submitter. Criteria: Invitae Variant Classification Sherloc (09022015). Collection method: clinical testing. Allele origin: germline.
Comment: This sequence change replaces arginine, which is basic and polar, with glutamine, which is neutral and polar, at codon 134 of the FGG protein (p.Arg134Gln). This variant also falls at the last nucleotide of exon 4, which is part of the consensus splice site for this exon. This variant is present in population databases (rs764559342, gnomAD 0.01%). This variant has not been reported in the literature in individuals affected with FGG-related conditions. ClinVar contains an entry for this variant (Variation ID: 899461). An algorithm developed to predict the effect of missense changes on protein structure and function outputs the following: PolyPhen-2: "Benign". The glutamine amino acid residue is found in multiple mammalian species, which suggests that this missense change does not adversely affect protein function. Variants that disrupt the consensus splice site are a relatively common cause of aberrant splicing (PMID: 17576681, 9536098). In summary, the available evidence is currently insufficient to determine the role of this variant in disease. Therefore, it has been classified as a Variant of Uncertain Significance.

Illumina Laboratory Services, Illumina
Classification: Uncertain significance for Congenital afibrinogenemia. Last evaluated: 2017-04-27. Review status: criteria provided, single submitter. Criteria: ICSL Variant Classification Criteria 13 December 2019. Collection method: clinical testing. Allele origin: germline.

Literature cited by the submitters: PubMed 17576681 (cited by Labcorp Genetics (formerly Invitae), Labcorp); PubMed 9536098 (cited by Labcorp Genetics (formerly Invitae), Labcorp).